The following is an entry in ClinVar:

ClinVar aggregate classification (germline): Uncertain significance (1 of 4 stars; one submission).

Submission:

Ambry Genetics
Classification: Uncertain significance. Last evaluated: 2024-12-03. Review status: criteria provided, single submitter. Criteria: Ambry Variant Classification Scheme 2023. Collection method: clinical testing. Allele origin: germline.
Comment: The p.Q91R variant (also known as c.272A>G), located in coding exon 3 of the RINT1 gene, results from an A to G substitution at nucleotide position 272. The glutamine at codon 91 is replaced by arginine, an amino acid with highly similar properties. This amino acid position is conserved. In addition, this alteration is predicted to be tolerated by in silico analysis. Based on the available evidence, the clinical significance of this variant remains unclear.

NM_021930.6(RINT1):c.272A>G (p.Gln91Arg)

Gene: RINT1 (RAD50 interactor 1; plus strand). Cytogenetic location: 7q22.3.
Variant type: single nucleotide variant.
Coding change: c.272A>G on transcript NM_021930.6 (MANE Select); coding-DNA position 272, A replaced by G.
Protein change: p.Gln91Arg; replaces glutamine 91 with arginine.
Molecular consequence: missense variant. On other transcripts: 5 prime UTR variant (3), non-coding transcript variant (1), intron variant (1).
Genome position (GRCh38, 1-based): chr7:105,536,748, A>G. VCF-style: chr7-105536748-A-G. GRCh37 (hg19) VCF-style: chr7-105177195-A-G.
Other names: c.-748A>G (NM_001346600.2); c.-651A>G (NM_001346601.2); c.-271A>G (NM_001346603.2); c.39+136A>G (NM_001346599.2); short protein forms Q91R.
Identifiers: ClinVar variation 3433668 (VCV003433668.1).